The following is an entry in ClinVar:

ClinVar aggregate classification (germline): Uncertain significance (1 of 4 stars; one submission).

Conditions:
Oto-palato-digital syndrome, type II (OPD2). Also called: FACIOPALATOOSSEOUS SYNDROME; OPD II SYNDROME; Otopalatodigital Syndrome Type 2 (FLNA-OPD2); Otopalatodigital Syndrome, Type II. Identifiers: Orphanet 669, Orphanet 90652, MedGen C1844696, MONDO:0010571, OMIM 304120.
Melnick-Needles syndrome (MNS). Also called: MELNICK-NEEDLES OSTEODYSPLASTY; OSTEODYSPLASTY OF MELNICK AND NEEDLES; Melnick-Needles Syndrome (FLNA-MNS). Identifiers: Orphanet 2484, MedGen C0025237, MONDO:0010650, OMIM 309350.
Frontometaphyseal dysplasia (FMD1). Identifiers: Orphanet 1826, MedGen C0265293, MONDO:0015942.
Heterotopia, periventricular, X-linked dominant (PVNH1). Also called: PERIVENTRICULAR NODULAR HETEROTOPIA 1; X-linked periventricular heterotopia; PERIVENTRICULAR NODULAR HETEROTOPIA 4; HETEROTOPIA, PERIVENTRICULAR, 1. Identifiers: Orphanet 2149, Orphanet 82004, MedGen C1848213, MONDO:0010233, OMIM 300049.

Submission:

Labcorp Genetics (formerly Invitae), Labcorp
Classification: Uncertain significance for Oto-palato-digital syndrome, type II; Heterotopia, periventricular, X-linked dominant; Frontometaphyseal dysplasia; Melnick-Needles syndrome. Last evaluated: 2022-07-02. Review status: criteria provided, single submitter. Criteria: Invitae Variant Classification Sherloc (09022015). Collection method: clinical testing. Allele origin: germline.
Comment: This variant has not been reported in the literature in individuals affected with FLNA-related conditions. In summary, the available evidence is currently insufficient to determine the role of this variant in disease. Therefore, it has been classified as a Variant of Uncertain Significance. Advanced modeling of protein sequence and biophysical properties (such as structural, functional, and spatial information, amino acid conservation, physicochemical variation, residue mobility, and thermodynamic stability) performed at Invitae indicates that this missense variant is expected to disrupt FLNA protein function. This variant is not present in population databases (gnomAD no frequency). This sequence change replaces valine, which is neutral and non-polar, with glutamic acid, which is acidic and polar, at codon 1914 of the FLNA protein (p.Val1914Glu).

NM_001110556.2(FLNA):c.5765T>A (p.Val1922Glu)

Gene: FLNA (filamin A; minus strand). Cytogenetic location: Xq28.
Variant type: single nucleotide variant.
Coding change: c.5765T>A on transcript NM_001110556.2 (MANE Select); coding-DNA position 5765, T replaced by A.
Protein change: p.Val1922Glu; replaces valine 1922 with glutamic acid.
Molecular consequence: missense variant.
Genome position (GRCh38, 1-based): chrX:154,353,649, A>T on the plus strand (T>A on the coding strand, the complement: FLNA is on the minus strand). VCF-style: chrX-154353649-A-T. GRCh37 (hg19) VCF-style: chrX-153582017-A-T.
Other names: c.5741T>A, p.Val1914Glu (NM_001456.4); short protein forms V1922E, V1914E.
Identifiers: ClinVar variation 2013332 (VCV002013332.4), dbSNP rs2522724807, ClinGen allele CA415199553.
Genomic context (GRCh38, chrX:154,353,649, plus strand): 5'-TGCTGTTCATTGTACTTGACTAGAATGCTGTAGTCCCCCGGCAGCACAGGCAGGTAGGAC[A>T]CGCTGCATGTCCCATCCTGGTTGTCAGTGCAGCTGATTTCTGCTTTGGACGGGCCCTCAA-3'
Protein context (NP_001104026.1, residues 1912-1932): CTDNQDGTCS[Val1922Glu]SYLPVLPGDY